The following is an entry in ClinVar:

NM_032790.4(ORAI1):c.466A>G (p.Asn156Asp)

Gene: ORAI1 (ORAI calcium release-activated calcium modulator 1; plus strand). Cytogenetic location: 12q24.31.
Variant type: single nucleotide variant.
Coding change: c.466A>G on transcript NM_032790.4 (MANE Select); coding-DNA position 466, A replaced by G.
Protein change: p.Asn156Asp; replaces asparagine 156 with aspartic acid.
Molecular consequence: missense variant. On other transcripts: non-coding transcript variant (1).
Genome position (GRCh38, 1-based): chr12:121,641,203, A>G. VCF-style: chr12-121641203-A-G. GRCh37 (hg19) VCF-style: chr12-122079109-A-G.
Other names: short protein forms N156D.
Identifiers: ClinVar variation 2945231 (VCV002945231.3), dbSNP rs2503543322, ClinGen allele CA386983194.
Genomic context (GRCh38, chr12:121,641,203, plus strand): 5'-TTTGCGCTCATGATCAGCACCTGCATCCTGCCCAACATCGAGGCGGTGAGCAACGTGCAC[A>G]ATCTCAACTCGGTCAAGGAGTCCCCCCATGAGCGCATGCACCGCCACATCGAGCTGGCCT-3'
Protein context (NP_116179.2, residues 146-166): PNIEAVSNVH[Asn156Asp]LNSVKESPHE

ClinVar aggregate classification (germline): Uncertain significance (1 of 4 stars; one submission).

Conditions:
Myopathy, tubular aggregate, 2 (TAM2). Identifiers: MedGen C4014557, MONDO:0014383, OMIM 615883.
Combined immunodeficiency due to ORAI1 deficiency. Also called: IMMUNODEFICIENCY 9. Identifiers: Orphanet 169090, Orphanet 317428, MedGen C2748568, MONDO:0013007, OMIM 612782.

Submission:

Labcorp Genetics (formerly Invitae), Labcorp
Classification: Uncertain significance for Myopathy, tubular aggregate, 2; Combined immunodeficiency due to ORAI1 deficiency. Last evaluated: 2023-03-19. Review status: criteria provided, single submitter. Criteria: Invitae Variant Classification Sherloc (09022015). Collection method: clinical testing. Allele origin: germline.
Comment: This variant is not present in population databases (gnomAD no frequency). This sequence change replaces asparagine, which is neutral and polar, with aspartic acid, which is acidic and polar, at codon 156 of the ORAI1 protein (p.Asn156Asp). This variant has not been reported in the literature in individuals affected with ORAI1-related conditions. Experimental studies and prediction algorithms are not available or were not evaluated, and the functional significance of this variant is currently unknown. In summary, the available evidence is currently insufficient to determine the role of this variant in disease. Therefore, it has been classified as a Variant of Uncertain Significance.